The following is an entry in ClinVar:

NM_016507.4(CDK12):c.1630C>T (p.Pro544Ser)

Gene: CDK12 (cyclin dependent kinase 12; plus strand). Cytogenetic location: 17q12.
Variant type: single nucleotide variant.
Coding change: c.1630C>T on transcript NM_016507.4 (MANE Select); coding-DNA position 1630, C replaced by T.
Protein change: p.Pro544Ser; replaces proline 544 with serine.
Molecular consequence: missense variant.
Genome position (GRCh38, 1-based): chr17:39,471,462, C>T. VCF-style: chr17-39471462-C-T. GRCh37 (hg19) VCF-style: chr17-37627715-C-T.
Other names: c.1630C>T, p.Pro544Ser (NM_015083.4); short protein forms P544S.
Identifiers: ClinVar variation 4868549 (VCV004868549.1).

ClinVar aggregate classification (germline): Uncertain significance (1 of 4 stars; one submission).

Submission:

Ambry Genetics
Classification: Uncertain significance. Last evaluated: 2026-05-19. Review status: criteria provided, single submitter. Criteria: Ambry Variant Classification Scheme 2023. Collection method: clinical testing. Allele origin: germline.
Comment: The p.P544S variant (also known as c.1630C>T), located in coding exon 2 of the CDK12 gene, results from a C to T substitution at nucleotide position 1630. The proline at codon 544 is replaced by serine, an amino acid with similar properties. This amino acid position is conserved. In addition, the in silico prediction for this alteration is inconclusive. Based on the available evidence, the clinical significance of this variant remains unclear.